The following is an entry in ClinVar:

ClinVar aggregate classification (germline): Uncertain significance (1 of 4 stars; one submission).

Conditions:
Generalized epilepsy with febrile seizures plus, type 12. Also called: GEFS+, TYPE 12. Identifiers: MedGen C5935592, MONDO:0958324, OMIM 620755.

Submission:

3billion
Classification: Uncertain significance for Generalized epilepsy with febrile seizures plus, type 12. Last evaluated: 2025-11-10. Review status: criteria provided, single submitter. Criteria: ACMG Guidelines, 2015. Collection method: clinical testing. Allele origin: germline. Affected: yes.
Comment: The variant is not observed in the gnomAD v4.1.0 dataset. Predicted Consequence/Location: Missense variant. Missense changes are a common disease-causing mechanism. In silico tool predictions suggest damaging effect of the variant on gene or gene product [3Cnet: 0.86 (> 0.75, sensitivity 0.96 and precision 0.92)]. Therefore, this variant is classified as VUS according to the recommendation of ACMG/AMP guideline.

NM_080552.3(SLC32A1):c.1351C>A (p.Pro451Thr)

Gene: SLC32A1 (solute carrier family 32 member 1; plus strand). Cytogenetic location: 20q11.23.
Variant type: single nucleotide variant.
Coding change: c.1351C>A on transcript NM_080552.3 (MANE Select); coding-DNA position 1351, C replaced by A.
Protein change: p.Pro451Thr; replaces proline 451 with threonine.
Molecular consequence: missense variant.
Genome position (GRCh38, 1-based): chr20:38,728,412, C>A. VCF-style: chr20-38728412-C-A. GRCh37 (hg19) VCF-style: chr20-37357055-C-A.
Other names: short protein forms P451T.
Identifiers: ClinVar variation 4855202 (VCV004855202.1).
Genomic context (GRCh38, chr20:38,728,412, plus strand): 5'-TGGGGGCTGACGCTGCGCTGCGCGCTCGTCGTCTTCACGCTGCTCATGGCCATTTATGTG[C>A]CGCACTTCGCGCTGCTCATGGGCCTCACCGGCAGCCTCACGGGCGCCGGCCTCTGTTTCT-3'
Protein context (NP_542119.1, residues 441-461): VFTLLMAIYV[Pro451Thr]HFALLMGLTG